The following is an entry in ClinVar:

NM_003072.5(SMARCA4):c.1944-11A>C

Gene: SMARCA4 (SWI/SNF related BAF chromatin remodeling complex subunit ATPase 4; plus strand). Cytogenetic location: 19p13.2.
Variant type: single nucleotide variant.
Coding change: c.1944-11A>C on transcript NM_003072.5 (MANE Select); 11 bases into the intron before coding-DNA position 1944, A replaced by C.
Molecular consequence: intron variant.
Genome position (GRCh38, 1-based): chr19:11,003,329, A>C. VCF-style: chr19-11003329-A-C. GRCh37 (hg19) VCF-style: chr19-11114005-A-C.
Other names: c.1944-11A>C (NM_001128844.3, NM_001128849.3, NM_001128847.4 and 5 more transcripts).
Identifiers: ClinVar variation 1559564 (VCV001559564.9), dbSNP rs775612622, ClinGen allele CA9203956.

ClinVar aggregate classification (germline): Likely benign. Review status: criteria provided, multiple submitters, no conflicts (2 of 4 stars). 2 submissions from 2 submitters: Likely benign (2). Last evaluated 2026-07-07.

Conditions:
Rhabdoid tumor predisposition syndrome 2 (RTPS2). Identifiers: Orphanet 231108, Orphanet 69077, MedGen C2750074, MONDO:0013224, OMIM 613325.

Allele frequency attached by ClinVar (database versions not stated): gnomAD exomes below 0.00001.
gnomAD v4.1: 3 of 1,613,634 alleles (0.00019%); highest among the groups gnomAD compares: Non-Finnish European, 0.00025%; no homozygotes.

Submissions (2):

Myriad Genetics, Inc.
Classification: Likely benign for Rhabdoid tumor predisposition syndrome 2. Last evaluated: 2026-07-07. Review status: criteria provided, single submitter. Criteria: Myriad Autosomal Dominant, Autosomal Recessive and X-Linked Classification Criteria (2023). Collection method: clinical testing. Allele origin: unknown.
Comment: This variant is considered likely benign. This variant is intronic and is not expected to impact mRNA splicing.

Labcorp Genetics (formerly Invitae), Labcorp
Classification: Likely benign for Rhabdoid tumor predisposition syndrome 2. Last evaluated: 2025-10-27. Review status: criteria provided, single submitter. Criteria: Invitae Variant Classification Sherloc (09022015). Collection method: clinical testing. Allele origin: germline.